The following is an entry in ClinVar:

ClinVar aggregate classification (germline): Pathogenic/Likely pathogenic. Review status: criteria provided, multiple submitters, no conflicts (2 of 4 stars). 2 submissions from 2 submitters: Pathogenic (1); Likely pathogenic (1). Last evaluated 2023-07-07.

Conditions:
Creatine transporter deficiency (CCDS1). Also called: CEREBRAL CREATINE DEFICIENCY SYNDROME 1; Mental retardation , X-linked with seizures, short stature and midface hypoplasia; Mental retardation , X-linked, with creatine transport deficiency; X-linked creatine transporter deficiency; X-linked creatine deficiency syndrome; SLC6A8-Related Creatine Transporter Deficiency. Identifiers: Orphanet 52503, MedGen C1845862, MONDO:0010305, OMIM 300352.
Intellectual disability. Also called: intellectual disabilities; Intellectual developmental disorder; Intellectual functioning disability. Identifiers: MedGen C3714756, MeSH D008607, MONDO:0001071, HP:0001249.

Submissions (2):

Labcorp Genetics (formerly Invitae), Labcorp
Classification: Likely pathogenic for Creatine transporter deficiency. Last evaluated: 2023-07-07. Review status: criteria provided, single submitter. Criteria: Invitae Variant Classification Sherloc (09022015). Collection method: clinical testing. Allele origin: germline.
Comment: This variant is not present in population databases (gnomAD no frequency). In summary, the currently available evidence indicates that the variant is pathogenic, but additional data are needed to prove that conclusively. Therefore, this variant has been classified as Likely Pathogenic. Algorithms developed to predict the effect of sequence changes on RNA splicing suggest that this variant may disrupt the consensus splice site. ClinVar contains an entry for this variant (Variation ID: 1174596). This variant has not been reported in the literature in individuals affected with SLC6A8-related conditions. This sequence change affects a splice site in intron 6 of the SLC6A8 gene. It is expected to disrupt RNA splicing. Variants that disrupt the donor or acceptor splice site typically lead to a loss of protein function (PMID: 16199547), and loss-of-function variants in SLC6A8 are known to be pathogenic (PMID: 22281021).

Cytogénomique, Hospices Civils de Lyon
Classification: Pathogenic for Intellectual disability. Last evaluated: 2021-07-01. Review status: criteria provided, single submitter. Criteria: ACMG Guidelines, 2015. Collection method: clinical testing. Allele origin: de novo. Inheritance: Sporadic. Affected: yes.
Comment: de novo, biochemical and functional MRI data support pathogenicity.

Literature cited by the submitters: PubMed 16199547 (cited by Labcorp Genetics (formerly Invitae), Labcorp); PubMed 22281021 (cited by Labcorp Genetics (formerly Invitae), Labcorp).

NM_005629.4(SLC6A8):c.1016+2_1016+5del

Gene: SLC6A8 (solute carrier family 6 member 8; plus strand). Cytogenetic location: Xq28.
Variant type: Deletion.
Coding change: c.1016+2_1016+5del on transcript NM_005629.4 (MANE Select); the canonical splice donor site of the intron after coding-DNA position 1016 through 5 bases into the intron after coding-DNA position 1016, 4 bases deleted (TAAG; older notation c.1016+2_1016+5delTAAG).
Molecular consequence: splice donor variant.
Genome position (GRCh38, 1-based): chrX:153,693,368-153,693,371, TAAG deleted; deleting any 4 consecutive bases within chrX:153,693,365-153,693,371 gives the same sequence; the c. name uses the placement nearest the transcript's 3' end. VCF-style (leftmost placement, unchanged base first): chrX-153693364-CAAGT-C. GRCh37 (hg19) VCF-style: chrX-152958819-CAAGT-C.
Other names: c.1016+2_1016+5del (NM_001142805.2); c.671+2_671+5del (NM_001142806.1).
Identifiers: ClinVar variation 1174596 (VCV001174596.5), dbSNP rs2148363006, ClinGen allele CA2499226435.